The following is an entry in ClinVar:

ClinVar aggregate classification (germline): Uncertain significance (1 of 4 stars; one submission).

Allele frequency attached by ClinVar (database versions not stated): gnomAD 0.00001; TOPMed 0.00001; gnomAD exomes 0.00002.
gnomAD v4.1: 23 of 1,572,162 alleles (0.0015%); highest among the groups gnomAD compares: Non-Finnish European, 0.0019%; no homozygotes.

Submission:

Labcorp Genetics (formerly Invitae), Labcorp
Classification: Uncertain significance. Last evaluated: 2023-10-29. Review status: criteria provided, single submitter. Criteria: Invitae Variant Classification Sherloc (09022015). Collection method: clinical testing. Allele origin: germline.
Comment: This sequence change creates a premature translational stop signal (p.Cys319*) in the AK7 gene. It is expected to result in an absent or disrupted protein product. However, the current clinical and genetic evidence is not sufficient to establish whether loss-of-function variants in AK7 cause disease. This variant is present in population databases (no rsID available, gnomAD 0.0009%). This variant has not been reported in the literature in individuals affected with AK7-related conditions. In summary, the available evidence is currently insufficient to determine the role of this variant in disease. Therefore, it has been classified as a Variant of Uncertain Significance.

NM_152327.5(AK7):c.957T>A (p.Cys319Ter)

Gene: AK7 (adenylate kinase 7; plus strand). Cytogenetic location: 14q32.2.
Variant type: single nucleotide variant.
Coding change: c.957T>A on transcript NM_152327.5 (MANE Select); coding-DNA position 957, T replaced by A.
Protein change: p.Cys319Ter; replaces cysteine 319 with a stop codon.
Molecular consequence: nonsense.
Genome position (GRCh38, 1-based): chr14:96,451,429, T>A. VCF-style: chr14-96451429-T-A. GRCh37 (hg19) VCF-style: chr14-96917766-T-A.
Other names: c.957T>A, p.Cys319Ter (NM_001350888.2, NM_001350890.2, NM_001350892.2); c.879T>A, p.Cys293Ter (NM_001350891.2); short protein forms C319*, C293*.
Identifiers: ClinVar variation 2995463 (VCV002995463.3), dbSNP rs1386283009, ClinGen allele CA390913545.